The following is an entry in ClinVar:

ClinVar aggregate classification (germline): Benign/Likely benign. Review status: criteria provided, multiple submitters, no conflicts (2 of 4 stars). 2 submissions from 2 submitters: Benign (1); Likely benign (1). Last evaluated 2025-08-25.

Allele frequency attached by ClinVar (database versions not stated): gnomAD 0.00394 and 0.00419; ESP Exome Variant Server 0.00446; gnomAD exomes 0.00139 and 0.00068; ExAC 0.00161; 1000 Genomes Project 0.00539; TOPMed 0.00416; 1000 Genomes Project 30x 0.00609.
gnomAD v4.1: 1,612 of 1,613,872 alleles (0.1%); highest among the groups gnomAD compares: African/African-American, 1.3%; 7 homozygotes.

Submissions (2):

Mayo Clinic Laboratories, Mayo Clinic
Classification: Benign. Last evaluated: 2025-08-25. Review status: criteria provided, single submitter. Criteria: ACMG Guidelines, 2015. Collection method: clinical testing. Allele origin: germline. Observed: 2 variant alleles.
Comment: BA1, BP4, BP7

GeneDx
Classification: Likely benign. Last evaluated: 2021-09-23. Review status: criteria provided, single submitter. Criteria: GeneDx Variant Classification Process June 2021. Collection method: clinical testing. Allele origin: germline. Affected: yes.

NM_002454.3(MTRR):c.1057+22C>T

Gene: MTRR (5-methyltetrahydrofolate-homocysteine methyltransferase reductase; plus strand). Cytogenetic location: 5p15.31.
Variant type: single nucleotide variant.
Coding change: c.1057+22C>T on transcript NM_002454.3 (MANE Select); 22 bases into the intron after coding-DNA position 1057, C replaced by T.
Molecular consequence: intron variant.
Genome position (GRCh38, 1-based): chr5:7,885,876, C>T. VCF-style: chr5-7885876-C-T. GRCh37 (hg19) VCF-style: chr5-7885989-C-T.
Other names: p.?; c.1057+22C>T (NM_001364440.2, NM_001364441.2, NM_001364442.2 and 1 more transcripts).
Identifiers: ClinVar variation 1526332 (VCV001526332.3), dbSNP rs114514595, ClinGen allele CA3195797.